The following is an entry in ClinVar:

ClinVar aggregate classification (germline): Uncertain significance (1 of 4 stars; one submission).

Submission:

GeneDx
Classification: Uncertain significance. Last evaluated: 2024-03-09. Review status: criteria provided, single submitter. Criteria: GeneDx Variant Classification Process June 2021. Collection method: clinical testing. Allele origin: germline. Affected: yes.
Comment: Not observed at significant frequency in large population cohorts (gnomAD); In silico analysis supports that this missense variant does not alter protein structure/function; Has not been previously published as pathogenic or benign to our knowledge

NM_002576.5(PAK1):c.190A>G (p.Thr64Ala)

Gene: PAK1 (p21 (RAC1) activated kinase 1; minus strand). Cytogenetic location: 11q13.5.
Variant type: single nucleotide variant.
Coding change: c.190A>G on transcript NM_002576.5 (MANE Select); coding-DNA position 190, A replaced by G.
Protein change: p.Thr64Ala; replaces threonine 64 with alanine.
Molecular consequence: missense variant. On other transcripts: non-coding transcript variant (2), intron variant (3).
Genome position (GRCh38, 1-based): chr11:77,392,331, T>C on the plus strand (A>G on the coding strand, the complement: PAK1 is on the minus strand). VCF-style: chr11-77392331-T-C. GRCh37 (hg19) VCF-style: chr11-77103376-T-C.
Other names: c.190A>G, p.Thr64Ala (NM_001128620.2, NM_001376268.1, NM_001376269.1 and 27 more transcripts); c.190A>G, p.Asn64Asp (NM_001376301.1); c.-3-12943A>G (NM_001376304.1); c.-104-12337A>G (NM_001376305.1, NM_001376302.1); short protein forms N64D, T64A.
Identifiers: ClinVar variation 3369886 (VCV003369886.1).